The following is an entry in ClinVar:

NM_003803.4(MYOM1):c.4220A>G (p.Lys1407Arg)

Gene: MYOM1 (myomesin 1; minus strand). Cytogenetic location: 18p11.31.
Variant type: single nucleotide variant.
Coding change: c.4220A>G on transcript NM_003803.4 (MANE Select); coding-DNA position 4220, A replaced by G.
Protein change: p.Lys1407Arg; replaces lysine 1407 with arginine.
Molecular consequence: missense variant.
Genome position (GRCh38, 1-based): chr18:3,086,069, T>C on the plus strand (A>G on the coding strand, the complement: MYOM1 is on the minus strand). VCF-style: chr18-3086069-T-C. GRCh37 (hg19) VCF-style: chr18-3086067-T-C.
Other names: c.3932A>G, p.Lys1311Arg (NM_019856.2); short protein forms K1311R, K1407R.
Identifiers: ClinVar variation 4555377 (VCV004555377.1).

ClinVar aggregate classification (germline): Uncertain significance (1 of 4 stars; one submission).

gnomAD v4.1: 1 of 1,610,464 alleles (0.000062%); highest among the groups gnomAD compares: African/African-American, 0.0013%; no homozygotes.

Submission:

Ambry Genetics
Classification: Uncertain significance. Last evaluated: 2025-10-01. Review status: criteria provided, single submitter. Criteria: Ambry Variant Classification Scheme 2023. Collection method: clinical testing. Allele origin: germline.
Comment: The p.K1407R variant (also known as c.4220A>G), located in coding exon 29 of the MYOM1 gene, results from an A to G substitution at nucleotide position 4220. The lysine at codon 1407 is replaced by arginine, an amino acid with highly similar properties. This amino acid position is conserved. In addition, this alteration is predicted to be tolerated by in silico analysis. Based on the available evidence, the clinical significance of this variant remains unclear.